The following is an entry in ClinVar:

ClinVar aggregate classification (germline): Uncertain significance (1 of 4 stars; one submission).

Allele frequency attached by ClinVar (database versions not stated): TOPMed below 0.00001; gnomAD 0.00001.
gnomAD v4.1: 1 of 1,613,738 alleles (0.000062%); highest among the groups gnomAD compares: Non-Finnish European, 0.000085%; no homozygotes.

Submission:

Labcorp Genetics (formerly Invitae), Labcorp
Classification: Uncertain significance. Last evaluated: 2022-08-19. Review status: criteria provided, single submitter. Criteria: Invitae Variant Classification Sherloc (09022015). Collection method: clinical testing. Allele origin: germline.
Comment: In summary, the available evidence is currently insufficient to determine the role of this variant in disease. Therefore, it has been classified as a Variant of Uncertain Significance. Advanced modeling of protein sequence and biophysical properties (such as structural, functional, and spatial information, amino acid conservation, physicochemical variation, residue mobility, and thermodynamic stability) performed at Invitae indicates that this missense variant is expected to disrupt KCNQ5 protein function. This variant has not been reported in the literature in individuals affected with KCNQ5-related conditions. This variant is present in population databases (no rsID available, gnomAD 0.007%). This sequence change replaces isoleucine, which is neutral and non-polar, with threonine, which is neutral and polar, at codon 208 of the KCNQ5 protein (p.Ile208Thr).

NM_019842.4(KCNQ5):c.623T>C (p.Ile208Thr)

Gene: KCNQ5 (potassium voltage-gated channel subfamily Q member 5; plus strand). Cytogenetic location: 6q13.
Variant type: single nucleotide variant.
Coding change: c.623T>C on transcript NM_019842.4 (MANE Select); coding-DNA position 623, T replaced by C.
Protein change: p.Ile208Thr; replaces isoleucine 208 with threonine.
Molecular consequence: missense variant.
Genome position (GRCh38, 1-based): chr6:73,077,328, T>C. VCF-style: chr6-73077328-T-C. GRCh37 (hg19) VCF-style: chr6-73787051-T-C.
Other names: c.623T>C, p.Ile208Thr (NM_001160130.2, NM_001160132.2, NM_001160133.2 and 1 more transcripts); short protein forms I208T.
Identifiers: ClinVar variation 1911743 (VCV001911743.5), dbSNP rs1338333716, ClinGen allele CA364826000.